The following is an entry in ClinVar:

ClinVar aggregate classification (germline): Uncertain significance. Review status: criteria provided, multiple submitters, no conflicts (2 of 4 stars). 2 submissions from 2 submitters: Uncertain significance (2). Last evaluated 2025-05-26.

Conditions:
Spastic paraplegia. Identifiers: MedGen C0037772, HP:0001258.

Allele frequency attached by ClinVar (database versions not stated): ExAC 0.00002; gnomAD 0.00001; gnomAD exomes 0.00002; TOPMed 0.00003.
gnomAD v4.1: 12 of 1,613,684 alleles (0.00074%); highest among the groups gnomAD compares: Admixed American, 0.018%; no homozygotes.

Submissions (2):

Mayo Clinic Laboratories, Mayo Clinic
Classification: Uncertain significance. Last evaluated: 2025-05-26. Review status: criteria provided, single submitter. Criteria: ACMG Guidelines, 2015. Collection method: clinical testing. Allele origin: germline. Observed: 1 variant allele.
Comment: BP4_moderate

Labcorp Genetics (formerly Invitae), Labcorp
Classification: Uncertain significance for Spastic paraplegia. Last evaluated: 2022-10-18. Review status: criteria provided, single submitter. Criteria: Invitae Variant Classification Sherloc (09022015). Collection method: clinical testing. Allele origin: germline.
Comment: This sequence change replaces threonine, which is neutral and polar, with proline, which is neutral and non-polar, at codon 173 of the CYP7B1 protein (p.Thr173Pro). This variant is present in population databases (rs777885599, gnomAD 0.03%). This variant has not been reported in the literature in individuals affected with CYP7B1-related conditions. Advanced modeling of protein sequence and biophysical properties (such as structural, functional, and spatial information, amino acid conservation, physicochemical variation, residue mobility, and thermodynamic stability) has been performed at Invitae for this missense variant, however the output from this modeling did not meet the statistical confidence thresholds required to predict the impact of this variant on CYP7B1 protein function. In summary, the available evidence is currently insufficient to determine the role of this variant in disease. Therefore, it has been classified as a Variant of Uncertain Significance.

NM_004820.5(CYP7B1):c.517A>C (p.Thr173Pro)

Gene: CYP7B1 (cytochrome P450 family 7 subfamily B member 1; minus strand). Cytogenetic location: 8q12.3.
Variant type: single nucleotide variant.
Coding change: c.517A>C on transcript NM_004820.5 (MANE Select); coding-DNA position 517, A replaced by C.
Protein change: p.Thr173Pro; replaces threonine 173 with proline.
Molecular consequence: missense variant.
Genome position (GRCh38, 1-based): chr8:64,616,024, T>G on the plus strand (A>C on the coding strand, the complement: CYP7B1 is on the minus strand). VCF-style: chr8-64616024-T-G. GRCh37 (hg19) VCF-style: chr8-65528581-T-G.
Other names: p.Thr173Pro; c.517A>C, p.Thr173Pro (NM_001324112.2); short protein forms T173P.
Identifiers: ClinVar variation 2050175 (VCV002050175.2), dbSNP rs777885599, ClinGen allele CA4764193.
Genomic context (GRCh38, chr8:64,616,024, plus strand): 5'-ATGTGATCTCAAATATTATTGAGCTGCAGAATGGATACAGTTCTGCCGTGTCCCAACTTG[T>G]GGTTTTTAACAGCTGGGGTTCAAAAACTTGTTTTAGATTCTGCATCATGCTTTCCAAGAG-3'
Protein context (NP_004811.1, residues 163-183): QVFEPQLLKT[Thr173Pro]SWDTAELYPF